The following is an entry in ClinVar:

ClinVar aggregate classification (germline): Pathogenic (1 of 4 stars; one submission).

Conditions:
Neurofibromatosis, type 1 (NF1). Also called: NEUROFIBROMATOSIS, TYPE I, SOMATIC; Neurofibromatosis, type I; Peripheral type neurofibromatosis; VON RECKLINGHAUSEN DISEASE. Identifiers: Orphanet 636, MedGen C0027831, MONDO:0018975, OMIM 162200. Disease mechanism: loss of function.

Submission:

Labcorp Genetics (formerly Invitae), Labcorp
Classification: Pathogenic for Neurofibromatosis, type 1. Last evaluated: 2022-07-27. Review status: criteria provided, single submitter. Criteria: Invitae Variant Classification Sherloc (09022015). Collection method: clinical testing. Allele origin: germline.
Comment: This sequence change creates a premature translational stop signal (p.Glu1775*) in the NF1 gene. It is expected to result in an absent or disrupted protein product. Loss-of-function variants in NF1 are known to be pathogenic (PMID: 10712197, 23913538). This variant is not present in population databases (gnomAD no frequency). This variant has not been reported in the literature in individuals affected with NF1-related conditions. For these reasons, this variant has been classified as Pathogenic.

Literature cited by the submitters: PubMed 10712197; PubMed 23913538.

NM_001042492.3(NF1):c.5386G>T (p.Glu1796Ter)

Gene: NF1 (neurofibromin 1; plus strand). Cytogenetic location: 17q11.2.
Variant type: single nucleotide variant.
Coding change: c.5386G>T on transcript NM_001042492.3 (MANE Select); coding-DNA position 5386, G replaced by T.
Protein change: p.Glu1796Ter; replaces glutamic acid 1796 with a stop codon.
Molecular consequence: nonsense.
Genome position (GRCh38, 1-based): chr17:31,327,616, G>T. VCF-style: chr17-31327616-G-T. GRCh37 (hg19) VCF-style: chr17-29654634-G-T.
Other names: c.5323G>T, p.Glu1775Ter (NM_000267.4); short protein forms E1796*, E1775*.
Identifiers: ClinVar variation 2019930 (VCV002019930.4), dbSNP rs2151541179, ClinGen allele CA399009322.